The following is an entry in ClinVar:

NM_001429.4(EP300):c.2680C>T (p.Pro894Ser)

Gene: EP300 (EP300 lysine acetyltransferase; plus strand). Cytogenetic location: 22q13.2.
Variant type: single nucleotide variant.
Coding change: c.2680C>T on transcript NM_001429.4 (MANE Select); coding-DNA position 2680, C replaced by T.
Protein change: p.Pro894Ser; replaces proline 894 with serine.
Molecular consequence: missense variant.
Genome position (GRCh38, 1-based): chr22:41,150,061, C>T. VCF-style: chr22-41150061-C-T. GRCh37 (hg19) VCF-style: chr22-41546065-C-T.
Other names: c.2602C>T, p.Pro868Ser (NM_001362843.2); short protein forms P894S, P868S.
Identifiers: ClinVar variation 4996860 (VCV004996860.1).

ClinVar aggregate classification (germline): Uncertain significance (1 of 4 stars; one submission).

Conditions:
EP300-related disorder. Also called: EP300-related condition; EP300-related disorders.

gnomAD v4.1: 10 of 1,613,912 alleles (0.00062%); highest among the groups gnomAD compares: African/African-American, 0.0053%; no homozygotes.

Submission:

PreventionGenetics, part of Exact Sciences
Classification: Uncertain significance for EP300-related condition. Last evaluated: 2025-08-08. Review status: criteria provided, single submitter. Criteria: ACMG Guidelines, 2015. Collection method: clinical testing. Allele origin: germline.
Comment: The EP300 c.2680C>T variant is predicted to result in the amino acid substitution p.Pro894Ser. To our knowledge, this variant has not been reported in the literature. This variant is reported in 0.018% of alleles in individuals of African descent in gnomAD. Although we suspect that this variant may be benign, at this time, the clinical significance of this variant is uncertain due to the absence of conclusive functional and genetic evidence.